The following is an entry in ClinVar:

ClinVar aggregate classification (germline): Benign. Review status: criteria provided, multiple submitters, no conflicts (2 of 4 stars). 3 submissions from 3 submitters: Benign (2). 1 of the submissions does not count toward it. Last evaluated 2018-06-19.

Allele frequency attached by ClinVar (database versions not stated): gnomAD exomes 0.02705; gnomAD 0.15479 and 0.16088; TOPMed 0.17319; 1000 Genomes Project 0.21705; 1000 Genomes Project 30x 0.22189.
gnomAD v4.1: 57,898 of 1,376,006 alleles (4.2%); highest among the groups gnomAD compares: African/African-American, 50%; 10,156 homozygotes.

Submissions (3):

GeneDx
Classification: Benign. Last evaluated: 2018-06-19. Review status: criteria provided, single submitter. Criteria: GeneDx Variant Classification (06012015). Collection method: clinical testing. Allele origin: germline. Affected: yes.
Comment: This variant is considered likely benign or benign based on one or more of the following criteria: it is a conservative change, it occurs at a poorly conserved position in the protein, it is predicted to be benign by multiple in silico algorithms, and/or has population frequency not consistent with disease.

Breakthrough Genomics
Classification: Benign. Review status: criteria provided, single submitter. Criteria: ACMG Guidelines, 2015. Collection method: not provided. Allele origin: germline. Inheritance: Autosomal recessive inheritance. Affected: yes.

ANO5 @LOVD
No classification provided. Review status: no classification provided. Collection method: not provided. Allele origin: unknown. Not counted in ClinVar's aggregate classification.

NM_213599.3(ANO5):c.879-76T>A

Gene: ANO5 (anoctamin 5; plus strand). Cytogenetic location: 11p14.3.
Variant type: single nucleotide variant.
Coding change: c.879-76T>A on transcript NM_213599.3 (MANE Select); 76 bases into the intron before coding-DNA position 879, T replaced by A.
Molecular consequence: intron variant.
Genome position (GRCh38, 1-based): chr11:22,250,161, T>A. VCF-style: chr11-22250161-T-A. GRCh37 (hg19) VCF-style: chr11-22271707-T-A.
Other names: c.876-76T>A (NM_001142649.2).
Identifiers: ClinVar variation 140564 (VCV000140564.3), dbSNP rs7104736, ClinGen allele CA232801.